The following is an entry in ClinVar:

ClinVar aggregate classification (germline): Likely pathogenic (1 of 4 stars; one submission).

Allele frequency attached by ClinVar (database versions not stated): TOPMed below 0.00001.
gnomAD v4.1: 4 of 1,613,822 alleles (0.00025%); highest among the groups gnomAD compares: Non-Finnish European, 0.00034%; no homozygotes.

Submission:

Labcorp Genetics (formerly Invitae), Labcorp
Classification: Likely pathogenic. Last evaluated: 2023-12-26. Review status: criteria provided, single submitter. Criteria: Invitae Variant Classification Sherloc (09022015). Collection method: clinical testing. Allele origin: germline.
Comment: This sequence change replaces proline, which is neutral and non-polar, with glutamine, which is neutral and polar, at codon 94 of the CYP11B1 protein (p.Pro94Gln). This variant is not present in population databases (gnomAD no frequency). This variant has not been reported in the literature in individuals affected with CYP11B1-related conditions. ClinVar contains an entry for this variant (Variation ID: 1497921). Advanced modeling of protein sequence and biophysical properties (such as structural, functional, and spatial information, amino acid conservation, physicochemical variation, residue mobility, and thermodynamic stability) performed at Invitae indicates that this missense variant is expected to disrupt CYP11B1 protein function with a positive predictive value of 95%. This variant disrupts the p.Pro94 amino acid residue in CYP11B1. Other variant(s) that disrupt this residue have been determined to be pathogenic (PMID: 16046588, 16670167, 25911436, 26956189). This suggests that this residue is clinically significant, and that variants that disrupt this residue are likely to be disease-causing. In summary, the currently available evidence indicates that the variant is pathogenic, but additional data are needed to prove that conclusively. Therefore, this variant has been classified as Likely Pathogenic.

Literature cited by the submitters: PubMed 16046588; PubMed 16670167; PubMed 25911436; PubMed 26956189.

NM_000497.4(CYP11B1):c.281C>A (p.Pro94Gln)

Gene: CYP11B1 (cytochrome P450 family 11 subfamily B member 1; minus strand). Cytogenetic location: 8q24.3.
Variant type: single nucleotide variant.
Coding change: c.281C>A on transcript NM_000497.4 (MANE Select); coding-DNA position 281, C replaced by A.
Protein change: p.Pro94Gln; replaces proline 94 with glutamine.
Molecular consequence: missense variant.
Genome position (GRCh38, 1-based): chr8:142,879,146, G>T on the plus strand (C>A on the coding strand, the complement: CYP11B1 is on the minus strand). VCF-style: chr8-142879146-G-T. GRCh37 (hg19) VCF-style: chr8-143960562-G-T.
Other names: c.281C>A, p.Pro94Gln (NM_001026213.1); short protein forms P94Q.
Identifiers: ClinVar variation 1497921 (VCV001497921.6), dbSNP rs104894070, ClinGen allele CA187466987.